The following is an entry in ClinVar:

ClinVar aggregate classification (germline): Uncertain significance. Review status: criteria provided, multiple submitters, no conflicts (2 of 4 stars). 2 submissions from 2 submitters: Uncertain significance (2). Last evaluated 2022-04-28.

Conditions:
Autosomal recessive distal spinal muscular atrophy 1. Also called: NEURONOPATHY, DISTAL HEREDITARY MOTOR, HARDING TYPE VI; NEUROPATHY, DISTAL HEREDITARY MOTOR, AUTOSOMAL RECESSIVE 1; HMN VI; NEURONOPATHY, SEVERE INFANTILE AXONAL, WITH RESPIRATORY FAILURE; SEVERE INFANTILE AXONAL NEUROPATHY WITH RESPIRATORY FAILURE; SPINAL MUSCULAR ATROPHY, DIAPHRAGMATIC. Identifiers: Orphanet 98920, MedGen C1858517, MONDO:0011436, OMIM 604320.
Charcot-Marie-Tooth disease axonal type 2S. Also called: CHARCOT-MARIE-TOOTH NEUROPATHY, TYPE 2S; CHARCOT-MARIE-TOOTH DISEASE, AXONAL, AUTOSOMAL RECESSIVE, TYPE 2S. Identifiers: Orphanet 443073, MedGen C4015349, MONDO:0014511, OMIM 616155.

Submissions (2):

Labcorp Genetics (formerly Invitae), Labcorp
Classification: Uncertain significance for Autosomal recessive distal spinal muscular atrophy 1; Charcot-Marie-Tooth disease axonal type 2S. Last evaluated: 2022-04-28. Review status: criteria provided, single submitter. Criteria: Invitae Variant Classification Sherloc (09022015). Collection method: clinical testing. Allele origin: germline.
Comment: This sequence change replaces histidine, which is basic and polar, with proline, which is neutral and non-polar, at codon 653 of the IGHMBP2 protein (p.His653Pro). This variant is not present in population databases (gnomAD no frequency). This variant has not been reported in the literature in individuals affected with IGHMBP2-related conditions. ClinVar contains an entry for this variant (Variation ID: 883388). Advanced modeling of protein sequence and biophysical properties (such as structural, functional, and spatial information, amino acid conservation, physicochemical variation, residue mobility, and thermodynamic stability) performed at Invitae indicates that this missense variant is not expected to disrupt IGHMBP2 protein function. In summary, the available evidence is currently insufficient to determine the role of this variant in disease. Therefore, it has been classified as a Variant of Uncertain Significance.

Illumina Laboratory Services, Illumina
Classification: Uncertain significance for Autosomal recessive distal spinal muscular atrophy 1. Last evaluated: 2018-03-23. Review status: criteria provided, single submitter. Criteria: ICSL Variant Classification Criteria 13 December 2019. Collection method: clinical testing. Allele origin: germline.

NM_002180.3(IGHMBP2):c.1958A>C (p.His653Pro)

Gene: IGHMBP2 (immunoglobulin mu DNA binding protein 2; plus strand). Cytogenetic location: 11q13.3.
Variant type: single nucleotide variant.
Coding change: c.1958A>C on transcript NM_002180.3 (MANE Select); coding-DNA position 1958, A replaced by C.
Protein change: p.His653Pro; replaces histidine 653 with proline.
Molecular consequence: missense variant.
Genome position (GRCh38, 1-based): chr11:68,936,438, A>C. VCF-style: chr11-68936438-A-C. GRCh37 (hg19) VCF-style: chr11-68703906-A-C.
Other names: short protein forms H653P.
Identifiers: ClinVar variation 883388 (VCV000883388.5), dbSNP rs1859530717, ClinGen allele CA381652510.